The following is an entry in ClinVar:

NM_000435.3(NOTCH3):c.*286_*288del

Gene: NOTCH3 (notch receptor 3; minus strand). Cytogenetic location: 19p13.12.
Variant type: Deletion.
Coding change: c.*286_*288del on transcript NM_000435.3 (MANE Select); 286 bases downstream of the stop codon through 288 bases downstream of the stop codon, 3 bases deleted (TCT; older notation c.*286_*288delTCT).
Molecular consequence: 3 prime UTR variant.
Genome position (GRCh38, 1-based): chr19:15,160,374-15,160,376, AGA deleted on the plus strand (TCT on the coding strand, the reverse complement: NOTCH3 is on the minus strand); deleting any 3 consecutive bases within chr19:15,160,374-15,160,378 gives the same sequence; the c. name uses the placement nearest the transcript's 3' end. VCF-style (leftmost placement, unchanged base first): chr19-15160373-CAGA-C. GRCh37 (hg19) VCF-style: chr19-15271184-CAGA-C.
Identifiers: ClinVar variation 2649428 (VCV002649428.24), dbSNP rs564221929, ClinGen allele CA305755139.

ClinVar aggregate classification (germline): Likely benign (1 of 4 stars; one submission).

Submission:

CeGaT Center for Human Genetics Tuebingen
Classification: Likely benign. Last evaluated: 2022-12-01. Review status: criteria provided, single submitter. Criteria: CeGaT Center For Human Genetics Tuebingen Variant Classification Criteria Version 2. Collection method: clinical testing. Allele origin: germline. Affected: yes. Observed: 1 variant allele.
Comment: NOTCH3: BS1